The following is an entry in ClinVar:

ClinVar aggregate classification (germline): Uncertain significance (1 of 4 stars; one submission).

gnomAD v4.1: 77 of 1,614,048 alleles (0.0048%); highest among the groups gnomAD compares: Non-Finnish European, 0.0061%; no homozygotes.

Submission:

Dasa
Classification: Uncertain significance. Last evaluated: 2024-09-17. Review status: criteria provided, single submitter. Criteria: DASA Assertion Criteria. Collection method: clinical testing. Allele origin: germline.
Comment: NM_001007228.2(SPOP):c.803A>G (p.Lys268Arg) is a missense variant that results in the substitution of lysine with arginine. This variant is rare in population databases. Computational prediction algorithms are consistent with a benign effect. The currently available literature and clinical evidence are not sufficient to establish a definitive association between this variant and the reported condition. Therefore, this variant is classified as a variant of uncertain significance.

NM_001007228.2(SPOP):c.803A>G (p.Lys268Arg)

Gene: SPOP (speckle type BTB/POZ protein; minus strand). Cytogenetic location: 17q21.33.
Variant type: single nucleotide variant.
Coding change: c.803A>G on transcript NM_001007228.2 (MANE Select); coding-DNA position 803, A replaced by G.
Protein change: p.Lys268Arg; replaces lysine 268 with arginine.
Molecular consequence: missense variant.
Genome position (GRCh38, 1-based): chr17:49,607,284, T>C on the plus strand (A>G on the coding strand, the complement: SPOP is on the minus strand). VCF-style: chr17-49607284-T-C. GRCh37 (hg19) VCF-style: chr17-47684646-T-C.
Other names: c.803A>G, p.Lys268Arg (NM_001007226.1, NM_001007227.1, NM_001007229.1 and 5 more transcripts); short protein forms K268R.
Identifiers: ClinVar variation 4883492 (VCV004883492.2).
Genomic context (GRCh38, chr17:49,607,284, plus strand): 5'-TGATTATTTTTCTATTCTTATCTTACCTTGTCAGCAGCTGCCAGCAAATCATCAGCCATT[T>C]TGTCGAGGTTTGGAGCCTTCCCCGTGTAAATGAAGCACATCATTTCCTTAAAAACTTCAG-3'
Protein context (NP_001007229.1, residues 258-278): IYTGKAPNLD[Lys268Arg]MADDLLAAAD